The following is an entry in ClinVar:

ClinVar aggregate classification (germline): Likely benign (1 of 4 stars; one submission).

gnomAD v4.1: 1 of 1,612,096 alleles (0.000062%); no homozygotes.

Submission:

CeGaT Center for Human Genetics Tuebingen
Classification: Likely benign. Last evaluated: 2023-04-01. Review status: criteria provided, single submitter. Criteria: CeGaT Center For Human Genetics Tuebingen Variant Classification Criteria Version 2. Collection method: clinical testing. Allele origin: germline. Affected: yes. Observed: 1 variant allele.
Comment: TPMT: PM2:Supporting, BP4, BP7

NM_000367.5(TPMT):c.390G>A (p.Leu130=)

Gene: TPMT (thiopurine S-methyltransferase; minus strand). Cytogenetic location: 6p22.3.
Variant type: single nucleotide variant.
Coding change: c.390G>A on transcript NM_000367.5 (MANE Select); coding-DNA position 390, G replaced by A.
Protein change: p.Leu130=; no amino-acid change (leucine 130 retained).
Molecular consequence: synonymous variant.
Genome position (GRCh38, 1-based): chr6:18,139,694, C>T on the plus strand (G>A on the coding strand, the complement: TPMT is on the minus strand). VCF-style: chr6-18139694-C-T. GRCh37 (hg19) VCF-style: chr6-18139925-C-T.
Other names: c.390G>A, p.Leu130= (NM_001346817.1, NM_001346818.1).
Identifiers: ClinVar variation 2656263 (VCV002656263.24), dbSNP rs1784107642, ClinGen allele CA448765406.